The following is an entry in ClinVar:

ClinVar aggregate classification (germline): Uncertain significance. Review status: criteria provided, multiple submitters, no conflicts (2 of 4 stars). 4 submissions from 4 submitters: Uncertain significance (4). Last evaluated 2026-10-07.

Conditions:
Developmental and epileptic encephalopathy, 1 (DEE1). Also called: X-linked infantile spasms; West's syndrome; Tonic spasms with clustering, arrest of psychomotor development and hypsarrhythmia on EEG; X-Linked Infantile Spasm Syndrome; OHTAHARA SYNDROME, X-LINKED; Epileptic encephalopathy, early infantile, 1. Identifiers: MedGen C3463992, MONDO:0010632, OMIM 308350. Disease mechanism: loss of function.
Autosomal dominant nonsyndromic hearing loss 65. Also called: TBC1D24-Related Autosomal Dominant Nonsyndromic Hearing Loss (DFNA); Deafness, autosomal dominant 65. Identifiers: Orphanet 90635, MedGen C3892048, MONDO:0014470, OMIM 616044.
Inborn genetic diseases. Identifiers: MedGen C0950123, MeSH D030342.

Allele frequency attached by ClinVar (database versions not stated): gnomAD 0.00007 and 0.00009; TOPMed 0.00007; ExAC 0.00008; gnomAD exomes 0.00004.
gnomAD v4.1: 27 of 1,602,136 alleles (0.0017%); highest among the groups gnomAD compares: Admixed American, 0.017%; no homozygotes.

Submissions (4):

GeneDx
Classification: Uncertain significance. Last evaluated: 2026-10-07. Review status: criteria provided, single submitter. Criteria: GeneDx Variant Classification Process June 2021. Collection method: clinical testing. Allele origin: germline.
Comment: Not observed at significant frequency in large population cohorts (gnomAD); In silico analysis supports that this missense variant has a deleterious effect on protein structure/function; Has not been previously published as pathogenic or benign to our knowledge

Labcorp Genetics (formerly Invitae), Labcorp
Classification: Uncertain significance for Developmental and epileptic encephalopathy, 1; Autosomal dominant nonsyndromic hearing loss 65. Last evaluated: 2025-09-17. Review status: criteria provided, single submitter. Criteria: Invitae Variant Classification Sherloc (09022015). Collection method: clinical testing. Allele origin: germline.
Comment: This sequence change replaces arginine, which is basic and polar, with cysteine, which is neutral and slightly polar, at codon 486 of the TBC1D24 protein (p.Arg486Cys). This variant is present in population databases (rs750028854, gnomAD 0.01%). This variant has not been reported in the literature in individuals affected with TBC1D24-related conditions. ClinVar contains an entry for this variant (Variation ID: 835949). Invitae Evidence Modeling of protein sequence and biophysical properties (such as structural, functional, and spatial information, amino acid conservation, physicochemical variation, residue mobility, and thermodynamic stability) has been performed for this missense variant. However, the output from this modeling did not meet the statistical confidence thresholds required to predict the impact of this variant on TBC1D24 protein function. In summary, the available evidence is currently insufficient to determine the role of this variant in disease. Therefore, it has been classified as a Variant of Uncertain Significance.

Blueprint Genetics
Classification: Uncertain significance. Last evaluated: 2024-04-19. Review status: criteria provided, single submitter. Criteria: ACMG Guidelines, 2015. Collection method: clinical testing. Allele origin: germline.

Ambry Genetics
Classification: Uncertain significance for Inborn genetic diseases. Last evaluated: 2022-04-28. Review status: criteria provided, single submitter. Criteria: Ambry Variant Classification Scheme 2023. Collection method: clinical testing. Allele origin: germline.

NM_001199107.2(TBC1D24):c.1456C>T (p.Arg486Cys)

Gene: TBC1D24 (TBC1 domain family member 24; plus strand). Cytogenetic location: 16p13.3.
Variant type: single nucleotide variant.
Coding change: c.1456C>T on transcript NM_001199107.2 (MANE Select); coding-DNA position 1456, C replaced by T.
Protein change: p.Arg486Cys; replaces arginine 486 with cysteine.
Molecular consequence: missense variant.
Genome position (GRCh38, 1-based): chr16:2,500,421, C>T. VCF-style: chr16-2500421-C-T. GRCh37 (hg19) VCF-style: chr16-2550422-C-T.
Other names: c.1438C>T, p.Arg480Cys (NM_020705.3); short protein forms R480C, R486C.
Identifiers: ClinVar variation 835949 (VCV000835949.14), dbSNP rs750028854, ClinGen allele CA7844300.
Genomic context (GRCh38, chr16:2,500,421, plus strand): 5'-CCACTCAGCCACTCCGCCTCCTCAGACCCCGCTGACCGCCTCTCGCCCTTCCTGGCCGCT[C>T]GCCACTTCAACCTGCCCTCCAAGACCGAGTCCATGTTCATGGCGGGGGGCAGCGACTGCC-3'
Protein context (NP_001186036.1, residues 476-496): ADRLSPFLAA[Arg486Cys]HFNLPSKTES